The following is an entry in ClinVar:

NM_000088.4(COL1A1):c.459del (p.Gly154fs)

Gene: COL1A1 (collagen type I alpha 1 chain; minus strand). Cytogenetic location: 17q21.33.
Variant type: Deletion.
Coding change: c.459del on transcript NM_000088.4 (MANE Select); coding-DNA position 459, one base deleted (T; older notation c.459delT).
Protein change: p.Gly154fs; shifts the reading frame from glycine 154.
Molecular consequence: frameshift variant.
Genome position (GRCh38, 1-based): chr17:50,199,238, A deleted on the plus strand (T on the coding strand, the reverse complement: COL1A1 is on the minus strand). VCF-style (leftmost placement, unchanged base first): chr17-50199237-CA-C. GRCh37 (hg19) VCF-style: chr17-48276598-CA-C.
Other names: short protein forms G154fs.
Identifiers: ClinVar variation 982088 (VCV000982088.6), dbSNP rs72667017, ClinGen allele CA291550343.

ClinVar aggregate classification (germline): Pathogenic. Review status: criteria provided, multiple submitters, no conflicts (2 of 4 stars). 3 submissions from 3 submitters: Pathogenic (3). Last evaluated 2025-09-30.

Conditions:
Osteogenesis imperfecta with normal sclerae, dominant form (OI4). Also called: Osteogenesis imperfecta type 4; OSTEOGENESIS IMPERFECTA WITH NORMAL SCLERAE; OSTEOGENESIS IMPERFECTA, TYPE IV, WITH DENTINOGENESIS IMPERFECTA; Osteogenesis Imperfecta Type IV; Common Variable Osteogenesis Imperfecta with Normal Sclerae. Identifiers: Orphanet 216820, Orphanet 666, MedGen C0268363, MONDO:0008148, OMIM 166220.
Osteogenesis imperfecta type III (OI3). Also called: Osteogenesis imperfecta type 3; OI type 3; Osteogenesis imperfecta, progressively deforming with normal sclerae; OI type III; Progressively Deforming Osteogenesis Imperfecta. Identifiers: Orphanet 216812, Orphanet 666, MedGen C0268362, MONDO:0009804, OMIM 259420.
Osteogenesis imperfecta type I (OI1). Also called: Osteogenesis imperfecta type 1; OI, TYPE I; OSTEOGENESIS IMPERFECTA TARDA; OSTEOGENESIS IMPERFECTA WITH BLUE SCLERAE; Lobstein's Disease; Lobstein disease. Identifiers: Orphanet 216796, Orphanet 666, MedGen C0023931, MONDO:0008146, OMIM 166200. Disease mechanism: loss of function.

Submissions (3):

Labcorp Genetics (formerly Invitae), Labcorp
Classification: Pathogenic for Osteogenesis imperfecta type I. Last evaluated: 2025-09-30. Review status: criteria provided, single submitter. Criteria: Invitae Variant Classification Sherloc (09022015). Collection method: clinical testing. Allele origin: germline.
Comment: This sequence change creates a premature translational stop signal (p.Gly154Alafs*111) in the COL1A1 gene. It is expected to result in an absent or disrupted protein product. Loss-of-function variants in COL1A1 are known to be pathogenic (PMID: 7942841, 9295084, 9443882). This variant is not present in population databases (gnomAD no frequency). This premature translational stop signal has been observed in individual(s) with osteogenesis imperfecta (PMID: 15024745). ClinVar contains an entry for this variant (Variation ID: 982088). For these reasons, this variant has been classified as Pathogenic.

Dasa
Classification: Pathogenic. Last evaluated: 2025-09-20. Review status: criteria provided, single submitter. Criteria: DASA Assertion Criteria. Collection method: clinical testing. Allele origin: germline.
Comment: NM_000088.4(COL1A1):c.459del (p.Gly154Alafs*111) is a frameshift variant in COL1A1 predicted to alter the reading frame and introduce a premature termination codon and is predicted to result in an absent or altered protein product. Loss of function is an established disease mechanism for COL1A1 (PMID: 9067755; PMID: 9016532). This variant has been reported in individuals with COL1A1-related disorders (PMID: 31447884). Also, this variant is absent from population databases. Based on the currently available evidence, this variant is classified as pathogenic.

Pathology and Clinical Laboratory Medicine, King Fahad Medical City
Classification: Pathogenic for Osteogenesis imperfecta type III; Osteogenesis imperfecta with normal sclerae, dominant form. Review status: criteria provided, single submitter. Criteria: ACMG Guidelines, 2015. Collection method: clinical testing. Allele origin: germline. Affected: yes. Observed: 1 variant allele.

Literature cited by the submitters: PubMed 7942841 (cited by Labcorp Genetics (formerly Invitae), Labcorp); PubMed 9295084 (cited by Labcorp Genetics (formerly Invitae), Labcorp); PubMed 9443882 (cited by Labcorp Genetics (formerly Invitae), Labcorp); PubMed 15024745 (cited by Labcorp Genetics (formerly Invitae), Labcorp); PubMed 31447884 (cited by Dasa); PubMed 9067755 (cited by Dasa); PubMed 9016532 (cited by Dasa).